The following is an entry in ClinVar:

NM_144670.6(A2ML1):c.4098dup (p.Val1367fs)

Gene: A2ML1 (alpha-2-macroglobulin like 1; plus strand). Cytogenetic location: 12p13.31.
Variant type: Duplication.
Coding change: c.4098dup on transcript NM_144670.6 (MANE Select); coding-DNA position 4098, one base duplicated (T; older notation c.4098dupT).
Protein change: p.Val1367fs; shifts the reading frame from valine 1367.
Molecular consequence: frameshift variant.
Genome position (GRCh38, 1-based): chr12:8,868,573, T duplicated; the last of 2 consecutive T bases (chr12:8,868,572-8,868,573); duplicating either gives the same sequence. VCF-style (leftmost placement, unchanged base first): chr12-8868571-A-AT. GRCh37 (hg19) VCF-style: chr12-9021167-A-AT.
Other names: c.2625dup, p.Val876fs (NM_001282424.3); short protein forms V1367fs, V876fs.
Identifiers: ClinVar variation 860438 (VCV000860438.3), dbSNP rs1944509959, ClinGen allele CA916083287.
Genomic context (GRCh38, chr12:8,868,571, plus strand): 5'-ATGTGTTTTCTTCTTCCTGCTCTCAGTTATGTGGGGAGCCGTAGCTCTTCCAATATGGCT[A>AT]TTGTGGAAGTGAAGATGCTATCTGGGTTCAGTCCCATGGAGGGCACCAATCAGTTAGTAA-3'

ClinVar aggregate classification (germline): Uncertain significance (1 of 4 stars; one submission).

Submission:

Labcorp Genetics (formerly Invitae), Labcorp
Classification: Uncertain significance. Last evaluated: 2019-06-19. Review status: criteria provided, single submitter. Criteria: Invitae Variant Classification Sherloc (09022015). Collection method: clinical testing. Allele origin: germline.
Comment: This sequence change creates a premature translational stop signal (p.Val1367Cysfs*29) in the A2ML1 gene. It is expected to result in an absent or disrupted protein product. This variant is not present in population databases (ExAC no frequency). This variant has not been reported in the literature in individuals with A2ML1-related conditions. The current clinical and genetic evidence is not sufficient to establish whether loss-of-function variants in A2ML1 cause disease. In summary, the available evidence is currently insufficient to determine the role of this variant in disease. Therefore, it has been classified as a Variant of Uncertain Significance.